The following is an entry in ClinVar:

NM_000059.4(BRCA2):c.193C>T (p.Pro65Ser)

Gene: BRCA2 (BRCA2 DNA repair associated; plus strand). Cytogenetic location: 13q13.1.
Variant type: single nucleotide variant.
Coding change: c.193C>T on transcript NM_000059.4 (MANE Select); coding-DNA position 193, C replaced by T.
Protein change: p.Pro65Ser; replaces proline 65 with serine.
Molecular consequence: missense variant.
Genome position (GRCh38, 1-based): chr13:32,319,202, C>T. VCF-style: chr13-32319202-C-T. GRCh37 (hg19) VCF-style: chr13-32893339-C-T.
Other names: short protein forms P65S.
Identifiers: ClinVar variation 133741 (VCV000133741.2), dbSNP rs587778128, ClinGen allele CA013993.

ClinVar aggregate classification (germline): Uncertain significance. Review status: criteria provided, single submitter (1 of 4 stars). 2 submissions from 2 submitters: Uncertain significance (1). 1 of the submissions does not count toward it. Last evaluated 2025-06-07.

Conditions:
Hereditary breast ovarian cancer syndrome. Also called: Hereditary breast and ovarian cancer; Breast and ovarian cancer; Hereditary breast and ovarian cancer syndrome (HBOC); Hereditary breast and/or ovarian cancer syndrome; Hereditary breast and ovarian cancer syndrome; BRCA1- and BRCA2-Associated Hereditary Breast and Ovarian Cancer. Identifiers: Orphanet 145, MedGen C0677776, MeSH D061325, MONDO:0003582. Disease mechanism: loss of function.

Submissions (2):

Labcorp Genetics (formerly Invitae), Labcorp
Classification: Uncertain significance for Hereditary breast ovarian cancer syndrome. Last evaluated: 2025-06-07. Review status: criteria provided, single submitter. Criteria: Invitae Variant Classification Sherloc (09022015). Collection method: clinical testing. Allele origin: germline.
Comment: This sequence change replaces proline, which is neutral and non-polar, with serine, which is neutral and polar, at codon 65 of the BRCA2 protein (p.Pro65Ser). This variant is not present in population databases (gnomAD no frequency). This variant has not been reported in the literature in individuals affected with BRCA2-related conditions. ClinVar contains an entry for this variant (Variation ID: 133741). Invitae Evidence Modeling of protein sequence and biophysical properties (such as structural, functional, and spatial information, amino acid conservation, physicochemical variation, residue mobility, and thermodynamic stability) indicates that this missense variant is not expected to disrupt BRCA2 protein function with a negative predictive value of 95%. In summary, the available evidence is currently insufficient to determine the role of this variant in disease. Therefore, it has been classified as a Variant of Uncertain Significance.

ITMI
No classification provided. Condition: AllHighlyPenetrant. Last evaluated: 2013-09-19. Review status: no classification provided. Collection method: reference population. Allele origin: germline. Not counted in ClinVar's aggregate classification.
Comment: Please see associated publication for description of ethnicities

Literature cited by the submitters: PubMed 24728327 (cited by ITMI).